The following is an entry in ClinVar:

ClinVar aggregate classification (germline): Uncertain significance (1 of 4 stars; one submission).

Conditions:
PHGDH deficiency. Identifiers: Orphanet 79351, MedGen C1866174, MONDO:0011152, OMIM 601815.

Submission:

Labcorp Genetics (formerly Invitae), Labcorp
Classification: Uncertain significance for PHGDH deficiency. Last evaluated: 2019-09-08. Review status: criteria provided, single submitter. Criteria: Invitae Variant Classification Sherloc (09022015). Collection method: clinical testing. Allele origin: germline.
Comment: This sequence change replaces valine with alanine at codon 438 of the PHGDH protein (p.Val438Ala). The valine residue is weakly conserved and there is a small physicochemical difference between valine and alanine. This variant is not present in population databases (ExAC no frequency). In summary, the available evidence is currently insufficient to determine the role of this variant in disease. Therefore, it has been classified as a Variant of Uncertain Significance. Algorithms developed to predict the effect of missense changes on protein structure and function are either unavailable or do not agree on the potential impact of this missense change (SIFT: "Deleterious"; PolyPhen-2: "Probably Damaging"; Align-GVGD: "Class C0"). This variant has not been reported in the literature in individuals with PHGDH-related conditions.

NM_006623.4(PHGDH):c.1313T>C (p.Val438Ala)

Gene: PHGDH (phosphoglycerate dehydrogenase; plus strand). Cytogenetic location: 1p12.
Variant type: single nucleotide variant.
Coding change: c.1313T>C on transcript NM_006623.4 (MANE Select); coding-DNA position 1313, T replaced by C.
Protein change: p.Val438Ala; replaces valine 438 with alanine.
Molecular consequence: missense variant.
Genome position (GRCh38, 1-based): chr1:119,742,910, T>C. VCF-style: chr1-119742910-T-C. GRCh37 (hg19) VCF-style: chr1-120285533-T-C.
Other names: short protein forms V438A.
Identifiers: ClinVar variation 936607 (VCV000936607.9), dbSNP rs1652277316, ClinGen allele CA341853693.
Genomic context (GRCh38, chr1:119,742,910, plus strand): 5'-TCGGGGAATGCCTCCTGGCCGTGGCCCTGGCAGGCGCCCCTTACCAGGCTGTGGGCTTGG[T>C]CCAAGGCACTACGCCTGTACTGCAGGGGCTCAATGGAGCTGTCTTCAGGCCAGAAGTGCC-3'
Protein context (NP_006614.2, residues 428-448): AGAPYQAVGL[Val438Ala]QGTTPVLQGL